The following is an entry in ClinVar:

ClinVar aggregate classification (germline): Benign/Likely benign. Review status: criteria provided, multiple submitters, no conflicts (2 of 4 stars). 5 submissions from 5 submitters: Benign (2); Likely benign (3). Last evaluated 2026-01-27.

Conditions:
ABCC12-related condition.

Allele frequency attached by ClinVar (database versions not stated): 1000 Genomes Project 0.00120; gnomAD 0.00120 and 0.00140; TOPMed 0.00122; ESP Exome Variant Server 0.00138; 1000 Genomes Project 30x 0.00141; ExAC 0.00319.
gnomAD v4.1: 3,349 of 1,614,126 alleles (0.21%); highest among the groups gnomAD compares: Middle Eastern, 1%; 15 homozygotes.

Submissions (5):

PreventionGenetics, part of Exact Sciences
Classification: Likely benign for ABCC12-related condition. Last evaluated: 2026-01-27. Review status: criteria provided, single submitter. Criteria: ACMG Guidelines, 2015. Collection method: clinical testing. Allele origin: germline.
Comment: This variant is classified as likely benign based on ACMG/AMP sequence variant interpretation guidelines (Richards et al. 2015 PMID: 25741868, with internal and published modifications).

Genomic Medicine Center of Excellence, King Faisal Specialist Hospital and Research Centre
Classification: Likely benign. Last evaluated: 2025-08-18. Review status: criteria provided, single submitter. Criteria: ACMG Guidelines, 2015. Collection method: clinical testing. Allele origin: germline.

CeGaT Center for Human Genetics Tuebingen
Classification: Likely benign. Last evaluated: 2023-01-01. Review status: criteria provided, single submitter. Criteria: CeGaT Center For Human Genetics Tuebingen Variant Classification Criteria Version 2. Collection method: clinical testing. Allele origin: germline. Affected: yes. Observed: 1 variant allele.
Comment: ABCC12: BS2

Labcorp Genetics (formerly Invitae), Labcorp
Classification: Benign. Last evaluated: 2019-12-31. Review status: criteria provided, single submitter. Criteria: Invitae Variant Classification Sherloc (09022015). Collection method: clinical testing. Allele origin: germline.

Breakthrough Genomics
Classification: Benign. Review status: criteria provided, single submitter. Criteria: ACMG Guidelines, 2015. Collection method: not provided. Allele origin: germline. Inheritance: Unknown mechanism. Affected: yes.

NM_001393797.1(ABCC12):c.490G>T (p.Gly164Ter)

Gene: ABCC12 (ATP binding cassette subfamily C member 12; minus strand). Cytogenetic location: 16q12.1.
Variant type: single nucleotide variant.
Coding change: c.490G>T on transcript NM_001393797.1 (MANE Select); coding-DNA position 490, G replaced by T.
Protein change: p.Gly164Ter; replaces glycine 164 with a stop codon.
Molecular consequence: nonsense. On other transcripts: non-coding transcript variant (6).
Genome position (GRCh38, 1-based): chr16:48,140,854, C>A on the plus strand (G>T on the coding strand, the complement: ABCC12 is on the minus strand). VCF-style: chr16-48140854-C-A. GRCh37 (hg19) VCF-style: chr16-48174765-C-A.
Other names: c.490G>T, p.Gly164Ter (NM_001392028.1, NM_033226.3); short protein forms G164*.
Identifiers: ClinVar variation 773580 (VCV000773580.31), dbSNP rs141807269, ClinGen allele CA8042695.